The following is an entry in ClinVar:

NM_001042413.2(GLIS3):c.-524C>T

Genes: GLIS3-AS2 (GLIS3 antisense RNA 2; plus strand), GLIS3 (GLIS family zinc finger 3; minus strand). Cytogenetic location: 9p24.2.
Variant type: single nucleotide variant.
Coding change: c.-524C>T on transcript NM_001042413.2 (MANE Select); 524 bases upstream of the start codon, C replaced by T.
Molecular consequence: 5 prime UTR variant.
Genome position (GRCh38, 1-based): chr9:4,299,846, G>A on the plus strand (C>T on the coding strand, the complement: GLIS3 is on the minus strand). VCF-style: chr9-4299846-G-A. GRCh37 (hg19) VCF-style: chr9-4299846-G-A.
Identifiers: ClinVar variation 367016 (VCV000367016.5), dbSNP rs567222677, ClinGen allele CA10634181.

ClinVar aggregate classification (germline): Benign (1 of 4 stars; one submission).

Conditions:
Neonatal diabetes mellitus with congenital hypothyroidism. Also called: NDH SYNDROME. Identifiers: Orphanet 79118, MedGen C1857775, MONDO:0012436, OMIM 610199.

Allele frequency attached by ClinVar (database versions not stated): gnomAD 0.00278; TOPMed 0.00403; 1000 Genomes Project 0.00519; 1000 Genomes Project 30x 0.00562; gnomAD exomes 0.01220.

Submission:

Illumina Laboratory Services, Illumina
Classification: Benign for Neonatal diabetes mellitus with congenital hypothyroidism. Last evaluated: 2018-01-12. Review status: criteria provided, single submitter. Criteria: ICSL Variant Classification Criteria 13 December 2019. Collection method: clinical testing. Allele origin: germline.
Comment: This variant was observed in the ICSL laboratory as part of a predisposition screen in an ostensibly healthy population. It had not been previously curated by ICSL or reported in the Human Gene Mutation Database (HGMD: prior to June 1st, 2018), and was therefore a candidate for classification through an automated scoring system. Utilizing variant allele frequency, disease prevalence and penetrance estimates, and inheritance mode, an automated score was calculated to assess if this variant is too frequent to cause the disease. Based on the score and internal cut-off values, a variant classified as benign is not then subjected to further curation. The score for this variant resulted in a classification of benign for this disease.